The following is an entry in ClinVar:

ClinVar aggregate classification (germline): Likely pathogenic. Review status: criteria provided, multiple submitters, no conflicts (2 of 4 stars). 2 submissions from 2 submitters: Likely pathogenic (2). Last evaluated 2025-08-14.

Conditions:
Progressive sclerosing poliodystrophy (MTDPS4A). Also called: NEURONAL DEGENERATION OF CHILDHOOD WITH LIVER DISEASE, PROGRESSIVE; Alpers Syndrome; ALPERS DIFFUSE DEGENERATION OF CEREBRAL GRAY MATTER WITH HEPATIC CIRRHOSIS; Alpers-Huttenlocher Syndrome; Mitochondrial DNA Depletion Syndrome 4A; Alpers-Huttenlocher Syndrome (AHS). Identifiers: Orphanet 726, MedGen C0205710, MONDO:0008758, OMIM 203700.
Inborn genetic diseases. Identifiers: MedGen C0950123, MeSH D030342.

Submissions (2):

Labcorp Genetics (formerly Invitae), Labcorp
Classification: Likely pathogenic for Progressive sclerosing poliodystrophy. Last evaluated: 2025-08-14. Review status: criteria provided, single submitter. Criteria: Invitae Variant Classification Sherloc (09022015). Collection method: clinical testing. Allele origin: germline.
Comment: This sequence change affects a donor splice site in intron 19 of the POLG gene. It is expected to disrupt RNA splicing. Variants that disrupt the donor or acceptor splice site typically lead to a loss of protein function (PMID: 16199547), and loss-of-function variants in POLG are known to be pathogenic (PMID: 18546365). This variant is not present in population databases (gnomAD no frequency). This variant has not been reported in the literature in individuals affected with POLG-related conditions. ClinVar contains an entry for this variant (Variation ID: 1727670). Algorithms developed to predict the effect of sequence changes on RNA splicing suggest that this variant may disrupt the consensus splice site. In summary, the currently available evidence indicates that the variant is pathogenic, but additional data are needed to prove that conclusively. Therefore, this variant has been classified as Likely Pathogenic.

Ambry Genetics
Classification: Likely pathogenic for Inborn genetic diseases. Last evaluated: 2017-12-18. Review status: criteria provided, single submitter. Criteria: Ambry Variant Classification Scheme 2023. Collection method: clinical testing. Allele origin: germline.
Comment: The c.3104+1G>T intronic variant results from a G to T substitution one nucleotide after coding exon 18 of the POLG gene. This nucleotide position is highly conserved in available vertebrate species. Using the BDGP and ESEfinder splice site prediction tools, this alteration is predicted to abolish the native splice donor site; however, direct evidence is unavailable. Alterations that disrupt the canonical splice site are expected to cause aberrant splicing, resulting in an abnormal protein or a transcript that is subject to nonsense-mediated mRNA decay. As such, this alteration is classified as likely pathogenic.

Literature cited by the submitters: PubMed 16199547 (cited by Labcorp Genetics (formerly Invitae), Labcorp); PubMed 18546365 (cited by Labcorp Genetics (formerly Invitae), Labcorp).

NM_002693.3(POLG):c.3104+1G>T

Gene: POLG (DNA polymerase gamma, catalytic subunit; minus strand). Cytogenetic location: 15q26.1.
Variant type: single nucleotide variant.
Coding change: c.3104+1G>T on transcript NM_002693.3 (MANE Select); the canonical splice donor site of the intron after coding-DNA position 3104, G replaced by T.
Molecular consequence: splice donor variant.
Genome position (GRCh38, 1-based): chr15:89,319,227, C>A on the plus strand (G>T on the coding strand, the complement: POLG is on the minus strand). VCF-style: chr15-89319227-C-A. GRCh37 (hg19) VCF-style: chr15-89862458-C-A.
Other names: c.3104+1G>T (NM_001126131.2).
Identifiers: ClinVar variation 1727670 (VCV001727670.5), dbSNP rs138917386, ClinGen allele CA393751242.
Genomic context (GRCh38, chr15:89,319,227, plus strand): 5'-AAGCTCTTCTGGGGCAAGCCCAGACCCCTCCCTCCATCCTTAACACAAAGAAGGTTCTTA[C>A]TTCCTTGCAGTTTCTCTCTGGACCTTGCGCAGATCCTGCAGGGAAATCCAGCCACCCTCA-3'